The following is an entry in ClinVar:

ClinVar aggregate classification (germline): Uncertain significance (1 of 4 stars; one submission).

Conditions:
Cardiovascular phenotype. Identifiers: MedGen CN230736.

Submission:

Ambry Genetics
Classification: Uncertain significance for Cardiovascular phenotype. Last evaluated: 2022-01-10. Review status: criteria provided, single submitter. Criteria: Ambry Variant Classification Scheme 2023. Collection method: clinical testing. Allele origin: germline.
Comment: The p.L264V variant (also known as c.790C>G), located in coding exon 5 of the MYOZ2 gene, results from a C to G substitution at nucleotide position 790. The leucine at codon 264 is replaced by valine, an amino acid with highly similar properties. This amino acid position is conserved. In addition, the in silico prediction for this alteration is inconclusive. Since supporting evidence is limited at this time, the clinical significance of this alteration remains unclear.

NM_016599.5(MYOZ2):c.790C>G (p.Leu264Val)

Gene: MYOZ2 (myozenin 2; plus strand). Cytogenetic location: 4q26.
Variant type: single nucleotide variant.
Coding change: c.790C>G on transcript NM_016599.5 (MANE Select); coding-DNA position 790, C replaced by G.
Protein change: p.Leu264Val; replaces leucine 264 with valine.
Molecular consequence: missense variant.
Genome position (GRCh38, 1-based): chr4:119,186,195, C>G. VCF-style: chr4-119186195-C-G. GRCh37 (hg19) VCF-style: chr4-120107350-C-G.
Other names: short protein forms L264V.
Identifiers: ClinVar variation 1761167 (VCV001761167.2), dbSNP rs2529809938, ClinGen allele CA358202517.